The following is an entry in ClinVar:

ClinVar aggregate classification (germline): Pathogenic. Review status: criteria provided, multiple submitters, no conflicts (2 of 4 stars). 3 submissions from 3 submitters: Pathogenic (2). 1 of the submissions does not count toward it. Last evaluated 2025-07-10.

Conditions:
Cornelia de Lange syndrome 1 (CDLS1). Also called: Brachmann de Lange syndrome; NIPBL-Related Cornelia de Lange Syndrome; TYPUS DEGENERATIVUS AMSTELODAMENSIS. Identifiers: Orphanet 199, MedGen C4551851, MONDO:0007387, OMIM 122470.

Submissions (3):

GeneDx
Classification: Pathogenic. Last evaluated: 2025-07-10. Review status: criteria provided, single submitter. Criteria: GeneDx Variant Classification Process June 2021. Collection method: clinical testing. Allele origin: germline. Affected: yes.
Comment: In-frame deletion of 1 amino acid in a non-repeat region; Not observed at significant frequency in large population cohorts (gnomAD); In silico analysis supports a deleterious effect on protein structure/function; This variant is associated with the following publications: (PMID: 15591270, 28425213, 24038889, 20824775, 16770807, 37377026, 35904121, 36041635, 23254390)

Genetic Services Laboratory, University of Chicago
Classification: Pathogenic for Cornelia de Lange syndrome 1. Last evaluated: 2013-02-19. Review status: criteria provided, single submitter. Criteria: ACMG Guidelines, 2007. Collection method: clinical testing. Allele origin: germline. Inheritance: Autosomal dominant inheritance. Affected: yes.

Developmental and Behavioral Pediatrics, First Affiliated Hospital of Jilin University
Classification: Likely pathogenic for Cornelia de Lange syndrome 1. Review status: no assertion criteria provided. Collection method: clinical testing. Allele origin: de novo. Not counted in ClinVar's aggregate classification.

NM_133433.4(NIPBL):c.6647ATA[2] (p.Asn2218del)

Gene: NIPBL (NIPBL cohesin loading factor; plus strand). Cytogenetic location: 5p13.2.
Variant type: Microsatellite.
Coding change: c.6647ATA[2] on transcript NM_133433.4 (MANE Select); two copies in a row of the 3-base unit ATA starting at c.6647; the reference has three copies in a row; one copy, 3 bases deleted.
Protein change: p.Asn2218del; deletes asparagine 2218.
Molecular consequence: inframe deletion.
Genome position (GRCh38, 1-based): chr5:37,048,565-37,048,567, ATA deleted; deleting any 3 consecutive bases within chr5:37,048,559-37,048,567 gives the same sequence; the position shown is the placement nearest the transcript's 3' end. VCF-style (leftmost placement, unchanged base first): chr5-37048558-TATA-T. GRCh37 (hg19) VCF-style: chr5-37048660-TATA-T.
Other names: c.6653_6655delATA (NM_133433.3, NM_133433.4); c.6647ATA[2], p.Asn2218del (NM_015384.5); short protein forms N2218del.
Identifiers: ClinVar variation 159207 (VCV000159207.37), dbSNP rs587784022, ClinGen allele CA272255.